The following is an entry in ClinVar:

ClinVar aggregate classification (germline): Uncertain significance. Review status: criteria provided, multiple submitters, no conflicts (2 of 4 stars). 2 submissions from 2 submitters: Uncertain significance (2). Last evaluated 2026-08-21.

Conditions:
BBS10-related disorder. Also called: BBS10-related condition.
Bardet-Biedl syndrome (BBS). Identifiers: Orphanet 110, MedGen C0752166, MONDO:0015229.

Allele frequency attached by ClinVar (database versions not stated): gnomAD exomes below 0.00001 and 0.00001; TOPMed below 0.00001; ExAC 0.00001; gnomAD 0.00001 and 0.00002.

Submissions (2):

PreventionGenetics, part of Exact Sciences
Classification: Uncertain significance for BBS10-related condition. Last evaluated: 2026-08-21. Review status: criteria provided, single submitter. Criteria: ACMG Guidelines, 2015. Collection method: clinical testing. Allele origin: germline.
Comment: The BBS10 c.1936A>G variant is predicted to result in the amino acid substitution p.Lys646Glu. To our knowledge, this variant has not been reported in the literature. This variant is reported in 0.00088% of alleles in individuals of European (Non-Finnish) descent in gnomAD. At this time, the clinical significance of this variant is uncertain due to the absence of conclusive functional and genetic evidence.

Labcorp Genetics (formerly Invitae), Labcorp
Classification: Uncertain significance for Bardet-Biedl syndrome. Last evaluated: 2022-02-05. Review status: criteria provided, single submitter. Criteria: Invitae Variant Classification Sherloc (09022015). Collection method: clinical testing. Allele origin: germline.
Comment: This sequence change replaces lysine, which is basic and polar, with glutamic acid, which is acidic and polar, at codon 646 of the BBS10 protein (p.Lys646Glu). This variant is present in population databases (rs757995171, gnomAD 0.0009%). This variant has not been reported in the literature in individuals affected with BBS10-related conditions. Algorithms developed to predict the effect of missense changes on protein structure and function (SIFT, PolyPhen-2, Align-GVGD) all suggest that this variant is likely to be tolerated. In summary, the available evidence is currently insufficient to determine the role of this variant in disease. Therefore, it has been classified as a Variant of Uncertain Significance.

NM_024685.4(BBS10):c.1936A>G (p.Lys646Glu)

Gene: BBS10 (Bardet-Biedl syndrome 10; minus strand). Cytogenetic location: 12q21.2.
Variant type: single nucleotide variant.
Coding change: c.1936A>G on transcript NM_024685.4 (MANE Select); coding-DNA position 1936, A replaced by G.
Protein change: p.Lys646Glu; replaces lysine 646 with glutamic acid.
Molecular consequence: missense variant.
Genome position (GRCh38, 1-based): chr12:76,346,049, T>C on the plus strand (A>G on the coding strand, the complement: BBS10 is on the minus strand). VCF-style: chr12-76346049-T-C. GRCh37 (hg19) VCF-style: chr12-76739829-T-C.
Other names: c.1936A>G (NM_024685.3); short protein forms K646E.
Identifiers: ClinVar variation 1423900 (VCV001423900.6), dbSNP rs757995171, ClinGen allele CA6694079.